The following is an entry in ClinVar:

NM_004329.3(BMPR1A):c.716A>C (p.Gln239Pro)

Gene: BMPR1A (bone morphogenetic protein receptor type 1A; plus strand). Cytogenetic location: 10q23.2.
Variant type: single nucleotide variant.
Coding change: c.716A>C on transcript NM_004329.3 (MANE Select); coding-DNA position 716, A replaced by C.
Protein change: p.Gln239Pro; replaces glutamine 239 with proline.
Molecular consequence: missense variant.
Genome position (GRCh38, 1-based): chr10:86,917,174, A>C. VCF-style: chr10-86917174-A-C. GRCh37 (hg19) VCF-style: chr10-88676931-A-C.
Other names: c.716A>C (NM_004329.2); short protein forms Q239P.
Identifiers: ClinVar variation 1425177 (VCV001425177.9), dbSNP rs2133575200, ClinGen allele CA377457228.

ClinVar aggregate classification (germline): Uncertain significance. Review status: criteria provided, multiple submitters, no conflicts (2 of 4 stars). 2 submissions from 2 submitters: Uncertain significance (2). Last evaluated 2024-05-08.

Conditions:
Juvenile polyposis syndrome (JPS). Identifiers: Orphanet 2929, MedGen C0345893, MONDO:0017380, OMIM 174900.
Hereditary cancer-predisposing syndrome. Also called: Hereditary neoplastic syndrome; Tumor predisposition; Hereditary Cancer Syndrome; Neoplastic Syndromes, Hereditary. Identifiers: Orphanet 140162, MedGen C0027672, MeSH D009386, MONDO:0015356.

Submissions (2):

Ambry Genetics
Classification: Uncertain significance for Hereditary cancer-predisposing syndrome. Last evaluated: 2024-05-08. Review status: criteria provided, single submitter. Criteria: Ambry Variant Classification Scheme 2023. Collection method: clinical testing. Allele origin: germline.
Comment: The p.Q239P variant (also known as c.716A>C), located in coding exon 7 of the BMPR1A gene, results from an A to C substitution at nucleotide position 716. The glutamine at codon 239 is replaced by proline, an amino acid with similar properties. This amino acid position is conserved. In addition, this alteration is predicted to be deleterious by in silico analysis. Based on the available evidence, the clinical significance of this variant remains unclear.

Labcorp Genetics (formerly Invitae), Labcorp
Classification: Uncertain significance for Juvenile polyposis syndrome. Last evaluated: 2020-11-23. Review status: criteria provided, single submitter. Criteria: Invitae Variant Classification Sherloc (09022015). Collection method: clinical testing. Allele origin: germline.
Comment: This variant is not present in population databases (ExAC no frequency). In summary, the available evidence is currently insufficient to determine the role of this variant in disease. Therefore, it has been classified as a Variant of Uncertain Significance. Advanced modeling of protein sequence and biophysical properties (such as structural, functional, and spatial information, amino acid conservation, physicochemical variation, residue mobility, and thermodynamic stability) performed at Invitae indicates that this missense variant is not expected to disrupt BMPR1A protein function. This variant has not been reported in the literature in individuals with BMPR1A-related conditions. This sequence change replaces glutamine with proline at codon 239 of the BMPR1A protein (p.Gln239Pro). The glutamine residue is highly conserved and there is a moderate physicochemical difference between glutamine and proline.